The following is an entry in ClinVar:

ClinVar aggregate classification (germline): Uncertain significance (1 of 4 stars; one submission).

Conditions:
Familial thoracic aortic aneurysm and aortic dissection (TAAD). Also called: Thoracic aortic aneurysms and dissections. Identifiers: Orphanet 91387, MedGen C4707243, MONDO:0019625.

Allele frequency attached by ClinVar (database versions not stated): gnomAD exomes below 0.00001.
gnomAD v4.1: 3 of 1,613,794 alleles (0.00019%); highest among the groups gnomAD compares: Admixed American, 0.0017%; no homozygotes.

Submission:

Labcorp Genetics (formerly Invitae), Labcorp
Classification: Uncertain significance for Familial thoracic aortic aneurysm and aortic dissection. Last evaluated: 2023-04-28. Review status: criteria provided, single submitter. Criteria: Invitae Variant Classification Sherloc (09022015). Collection method: clinical testing. Allele origin: germline.
Comment: In summary, the available evidence is currently insufficient to determine the role of this variant in disease. Therefore, it has been classified as a Variant of Uncertain Significance. Advanced modeling of protein sequence and biophysical properties (such as structural, functional, and spatial information, amino acid conservation, physicochemical variation, residue mobility, and thermodynamic stability) performed at Invitae indicates that this missense variant is not expected to disrupt TGFBR1 protein function. This variant has not been reported in the literature in individuals affected with TGFBR1-related conditions. This sequence change replaces aspartic acid, which is acidic and polar, with asparagine, which is neutral and polar, at codon 385 of the TGFBR1 protein (p.Asp385Asn). This variant is present in population databases (no rsID available, gnomAD 0.003%).

NM_004612.4(TGFBR1):c.1153G>A (p.Asp385Asn)

Gene: TGFBR1 (transforming growth factor beta receptor 1; plus strand). Cytogenetic location: 9q22.33.
Variant type: single nucleotide variant.
Coding change: c.1153G>A on transcript NM_004612.4 (MANE Select); coding-DNA position 1153, G replaced by A.
Protein change: p.Asp385Asn; replaces aspartic acid 385 with asparagine.
Molecular consequence: missense variant. On other transcripts: non-coding transcript variant (1).
Genome position (GRCh38, 1-based): chr9:99,146,507, G>A. VCF-style: chr9-99146507-G-A. GRCh37 (hg19) VCF-style: chr9-101908789-G-A.
Other names: c.922G>A, p.Asp308Asn (NM_001130916.3, NM_001407435.1); c.1165G>A, p.Asp389Asn (NM_001306210.2); c.997G>A, p.Asp333Asn (NM_001407416.1); c.985G>A, p.Asp329Asn (NM_001407417.1); c.958G>A, p.Asp320Asn (NM_001407418.1, NM_001407419.1, NM_001407420.1 and 1 more transcripts); c.946G>A, p.Asp316Asn (NM_001407423.1, NM_001407424.1, NM_001407425.1 and 8 more transcripts); c.907G>A, p.Asp303Asn (NM_001407436.1); c.445G>A, p.Asp149Asn (NM_001407437.1); and 1 more; short protein forms D226N, D303N, D320N, D333N, D149N, D316N, D385N, D308N.
Identifiers: ClinVar variation 3017274 (VCV003017274.3), dbSNP rs1452014590, ClinGen allele CA374232705.